The following is an entry in ClinVar:

NM_000195.5(HPS1):c.1709G>C (p.Gly570Ala)

Gene: HPS1 (HPS1 biogenesis of lysosomal organelles complex 3 subunit 1; minus strand). Cytogenetic location: 10q24.2.
Variant type: single nucleotide variant.
Coding change: c.1709G>C on transcript NM_000195.5 (MANE Select); coding-DNA position 1709, G replaced by C.
Protein change: p.Gly570Ala; replaces glycine 570 with alanine.
Molecular consequence: missense variant.
Genome position (GRCh38, 1-based): chr10:98,422,403, C>G on the plus strand (G>C on the coding strand, the complement: HPS1 is on the minus strand). VCF-style: chr10-98422403-C-G. GRCh37 (hg19) VCF-style: chr10-100182160-C-G.
Other names: c.737G>C, p.Gly246Ala (NM_001311345.2, NM_001322487.2, NM_001322489.2); c.1709G>C, p.Gly570Ala (NM_001322476.2, NM_001322477.2); c.1610G>C, p.Gly537Ala (NM_001322478.2, NM_001322479.2); c.1448G>C, p.Gly483Ala (NM_001322480.2, NM_001322481.2); c.1349G>C, p.Gly450Ala (NM_001322482.2); c.1340G>C, p.Gly447Ala (NM_001322483.2, NM_001322484.2); c.1241G>C, p.Gly414Ala (NM_001322485.2); short protein forms G246A, G414A, G447A, G450A, G483A, G537A, G570A.
Identifiers: ClinVar variation 990832 (VCV000990832.5), dbSNP rs1314012716, ClinGen allele CA378043941.

ClinVar aggregate classification (germline): Uncertain significance. Review status: criteria provided, single submitter (1 of 4 stars). 2 submissions from 2 submitters: Uncertain significance (1). 1 of the submissions does not count toward it. Last evaluated 2022-07-28.

Conditions:
Hermansky-Pudlak syndrome (HPS). Also called: ALBINISM WITH HEMORRHAGIC DIATHESIS AND PIGMENTED RETICULOENDOTHELIAL CELLS. Identifiers: Orphanet 79430, MedGen C0079504, MONDO:0019312.

Submissions (2):

Labcorp Genetics (formerly Invitae), Labcorp
Classification: Uncertain significance. Last evaluated: 2022-07-28. Review status: criteria provided, single submitter. Criteria: Invitae Variant Classification Sherloc (09022015). Collection method: clinical testing. Allele origin: germline.
Comment: This sequence change replaces glycine, which is neutral and non-polar, with alanine, which is neutral and non-polar, at codon 570 of the HPS1 protein (p.Gly570Ala). This variant is not present in population databases (gnomAD no frequency). This variant has not been reported in the literature in individuals affected with HPS1-related conditions. ClinVar contains an entry for this variant (Variation ID: 990832). Algorithms developed to predict the effect of missense changes on protein structure and function are either unavailable or do not agree on the potential impact of this missense change (SIFT: "Deleterious"; PolyPhen-2: "Probably Damaging"; Align-GVGD: "Class C0"). In summary, the available evidence is currently insufficient to determine the role of this variant in disease. Therefore, it has been classified as a Variant of Uncertain Significance.

Natera, Inc.
Classification: Uncertain significance for Hermansky-Pudlak syndrome. Last evaluated: 2020-04-10. Review status: no assertion criteria provided. Collection method: clinical testing. Allele origin: germline. Not counted in ClinVar's aggregate classification.